The following is an entry in ClinVar:

NM_138694.4(PKHD1):c.9663G>A (p.Pro3221=)

Gene: PKHD1 (PKHD1 ciliary IPT domain containing fibrocystin/polyductin; minus strand). Cytogenetic location: 6p12.3.
Variant type: single nucleotide variant.
Coding change: c.9663G>A on transcript NM_138694.4 (MANE Select); coding-DNA position 9663, G replaced by A.
Protein change: p.Pro3221=; no amino-acid change (proline 3221 retained).
Molecular consequence: synonymous variant.
Genome position (GRCh38, 1-based): chr6:51,747,953, C>T on the plus strand (G>A on the coding strand, the complement: PKHD1 is on the minus strand). VCF-style: chr6-51747953-C-T. GRCh37 (hg19) VCF-style: chr6-51612751-C-T.
Other names: c.9663G>A, p.Pro3221= (NM_170724.3).
Identifiers: ClinVar variation 596189 (VCV000596189.18), dbSNP rs371508721, ClinGen allele CA3851355.
Genomic context (GRCh38, chr6:51,747,953, plus strand): 5'-AATTCGACCTCCTCTTGGATTGGAGGGAGCTCTATCTGTTGATGTCAAGTTGGCTGAGTG[C>T]GGCTTCACTTTGTCCTGAATGCAGTCAAAAGAAGAGCTGGTGGCCACAATGACTGAATTC-3'
Protein context (NP_619639.3, residues 3211-3231): SFDCIQDKVK[Pro3221=]HSANLTSTDR

ClinVar aggregate classification (germline): Conflicting classifications of pathogenicity. Review status: criteria provided, conflicting classifications (1 of 4 stars). 4 submissions from 4 submitters: Uncertain significance (1); Likely benign (1). 2 of the submissions do not count toward it. Last evaluated 2025-12-30.

Conditions:
PKHD1-related disorder. Also called: PKHD1-related condition.
Autosomal recessive polycystic kidney disease (ARPKD). Also called: AR polycystic kidney disease. Identifiers: Orphanet 731, Orphanet 8378, MedGen C0085548, MeSH D017044, MONDO:0009889.

Allele frequency attached by ClinVar (database versions not stated): ESP Exome Variant Server 0.00008; gnomAD 0.00009 and 0.00013; TOPMed 0.00010; gnomAD exomes 0.00012; ExAC 0.00013.
gnomAD v4.1: 149 of 1,613,872 alleles (0.0092%); highest among the groups gnomAD compares: South Asian, 0.04%; no homozygotes.

Submissions (4):

Labcorp Genetics (formerly Invitae), Labcorp
Classification: Likely benign for Autosomal recessive polycystic kidney disease. Last evaluated: 2025-12-30. Review status: criteria provided, single submitter. Criteria: Invitae Variant Classification Sherloc (09022015). Collection method: clinical testing. Allele origin: germline.

Eurofins Ntd Llc (ga)
Classification: Uncertain significance. Last evaluated: 2018-02-20. Review status: criteria provided, single submitter. Criteria: EGL ClinVar v180209 classification definitions. Collection method: clinical testing. Allele origin: germline. Observed: 1 variant allele, 1 heterozygote.

PreventionGenetics, part of Exact Sciences
Classification: Likely benign for PKHD1-related condition. Last evaluated: 2019-03-27. Review status: no assertion criteria provided. Collection method: clinical testing. Allele origin: germline. Not counted in ClinVar's aggregate classification.
Comment: This variant is classified as likely benign based on ACMG/AMP sequence variant interpretation guidelines (Richards et al. 2015 PMID: 25741868, with internal and published modifications).

Natera, Inc.
Classification: Uncertain significance for Autosomal recessive polycystic kidney disease. Last evaluated: 2018-09-11. Review status: no assertion criteria provided. Collection method: clinical testing. Allele origin: germline. Not counted in ClinVar's aggregate classification.